The following is an entry in ClinVar:

ClinVar aggregate classification (germline): Uncertain significance (1 of 4 stars; one submission).

Conditions:
Inborn genetic diseases. Identifiers: MedGen C0950123, MeSH D030342.

Submission:

Ambry Genetics
Classification: Uncertain significance for Inborn genetic diseases. Last evaluated: 2026-07-12. Review status: criteria provided, single submitter. Criteria: Ambry Variant Classification Scheme 2023. Collection method: clinical testing. Allele origin: germline.
Comment: The p.T1027P variant (also known as c.3079A>C), located in coding exon 13 of the BMPR2 gene, results from an A to C substitution at nucleotide position 3079. The threonine at codon 1027 is replaced by proline, an amino acid with highly similar properties. This amino acid position is conserved. In addition, this alteration is predicted to be deleterious by in silico analysis. Based on the available evidence, the clinical significance of this variant remains unclear.

NM_001204.7(BMPR2):c.3079A>C (p.Thr1027Pro)

Gene: BMPR2 (bone morphogenetic protein receptor type 2; plus strand). Cytogenetic location: 2q33.2.
Variant type: single nucleotide variant.
Coding change: c.3079A>C on transcript NM_001204.7 (MANE Select); coding-DNA position 3079, A replaced by C.
Protein change: p.Thr1027Pro; replaces threonine 1027 with proline.
Molecular consequence: missense variant.
Genome position (GRCh38, 1-based): chr2:202,559,908, A>C. VCF-style: chr2-202559908-A-C. GRCh37 (hg19) VCF-style: chr2-203424631-A-C.
Other names: short protein forms T1027P.
Identifiers: ClinVar variation 5033090 (VCV005033090.1).